The following is an entry in ClinVar:

NM_206933.4(USH2A):c.5866del (p.Ser1956fs)

Gene: USH2A (usherin; minus strand). Cytogenetic location: 1q41.
Variant type: Deletion.
Coding change: c.5866del on transcript NM_206933.4 (MANE Select); coding-DNA position 5866, one base deleted (A; older notation c.5866delA).
Protein change: p.Ser1956fs; shifts the reading frame from serine 1956.
Molecular consequence: frameshift variant.
Genome position (GRCh38, 1-based): chr1:216,070,284, T deleted on the plus strand (A on the coding strand, the reverse complement: USH2A is on the minus strand); the first of 3 consecutive T bases (chr1:216,070,284-216,070,286); deleting any one gives the same sequence. VCF-style (leftmost placement, unchanged base first): chr1-216070283-CT-C. GRCh37 (hg19) VCF-style: chr1-216243625-CT-C.
Other names: short protein forms S1956fs.
Identifiers: ClinVar variation 3731349 (VCV003731349.1).

ClinVar aggregate classification (germline): Likely pathogenic (1 of 4 stars; one submission).

Conditions:
Usher syndrome type 2A. Also called: RETINAL DISEASE IN USHER SYNDROME TYPE IIA, MODIFIER OF; USHER SYNDROME, TYPE IIA. Identifiers: Orphanet 231178, Orphanet 886, MedGen C1848634, MONDO:0010169, OMIM 276901.

Submission:

Neuberg Centre For Genomic Medicine, NCGM
Classification: Likely pathogenic for Usher syndrome type 2A. Last evaluated: 2023-06-22. Review status: criteria provided, single submitter. Criteria: ACMG Guidelines, 2015. Collection method: clinical testing. Allele origin: germline. Inheritance: Autosomal recessive inheritance. Affected: yes.
Comment: The frameshift variant c.5866del (p.Ser1956ValfsTer11) in the USH2A gene has not been reported previously as a pathogenic variant nor as a benign variant, to our knowledge. This variant is reported with the allele frequency (0.0007%) in the gnomAD Exomes. This variant causes a frameshift starting with codon Serine 1956, changes this amino acid to Valine residue, and creates a premature Stop codon at position 11 of the new reading frame. This variant is predicted to cause a loss of normal protein function through protein truncation. Loss of function variants have been previously reported to be disease causing (Ng et al., 2019). For these reasons, this variant has been classified as Likely Pathogenic.